The following is an entry in ClinVar:

ClinVar aggregate classification (germline): Uncertain significance (1 of 4 stars; one submission).

Conditions:
Familial cancer of breast. Also called: Hereditary breast cancer; BREAST CANCER, FAMILIAL; hereditary breast carcinoma. Identifiers: Orphanet 227535, MedGen C0346153, MONDO:0016419, OMIM 114480. Disease mechanism: loss of function.

gnomAD v4.1: 1 of 769,044 alleles (0.00013%); highest among the groups gnomAD compares: African/African-American, 0.0018%; no homozygotes.

Submission:

Labcorp Genetics (formerly Invitae), Labcorp
Classification: Uncertain significance for Familial cancer of breast. Last evaluated: 2024-11-13. Review status: criteria provided, single submitter. Criteria: Invitae Variant Classification Sherloc (09022015). Collection method: clinical testing. Allele origin: germline.
Comment: This sequence change falls in intron 3 of the BARD1 gene. It does not directly change the encoded amino acid sequence of the BARD1 protein. This variant is not present in population databases (gnomAD no frequency). This variant has not been reported in the literature in individuals affected with BARD1-related conditions. Studies have shown that this variant is associated with altered splicing resulting in multiple RNA products (internal data). In summary, the available evidence is currently insufficient to determine the role of this variant in disease. Therefore, it has been classified as a Variant of Uncertain Significance.

NM_000465.4(BARD1):c.365-116A>G

Gene: BARD1 (BRCA1 associated RING domain 1; minus strand). Cytogenetic location: 2q35.
Variant type: single nucleotide variant.
Coding change: c.365-116A>G on transcript NM_000465.4 (MANE Select); 116 bases into the intron before coding-DNA position 365, A replaced by G.
Molecular consequence: intron variant.
Genome position (GRCh38, 1-based): chr2:214,781,625, T>C on the plus strand (A>G on the coding strand, the complement: BARD1 is on the minus strand). VCF-style: chr2-214781625-T-C. GRCh37 (hg19) VCF-style: chr2-215646349-T-C.
Other names: c.158+27787A>G (NM_001282548.2); c.308-116A>G (NM_001282543.2); c.215+15436A>G (NM_001282545.2); c.364+10672A>G (NM_001282549.2).
Identifiers: ClinVar variation 3706057 (VCV003706057.2).